The following is an entry in ClinVar:

ClinVar aggregate classification (germline): Uncertain significance (1 of 4 stars; one submission).

Conditions:
Alacrima, achalasia, and impaired intellectual development syndrome. Also called: Alacrima, achalasia, and mental retardation syndrome; Alacrima, achalasia, and intellectual disability syndrome. Identifiers: Orphanet 869, MedGen C4706563, MONDO:0014219, OMIM 615510.

gnomAD v4.1: 29 of 1,597,792 alleles (0.0018%); highest among the groups gnomAD compares: African/African-American, 0.019%; no homozygotes.

Submission:

Labcorp Genetics (formerly Invitae), Labcorp
Classification: Uncertain significance for Alacrima, achalasia, and impaired intellectual development syndrome. Last evaluated: 2024-05-15. Review status: criteria provided, single submitter. Criteria: Invitae Variant Classification Sherloc (09022015). Collection method: clinical testing. Allele origin: germline.
Comment: This sequence change replaces arginine, which is basic and polar, with glutamine, which is neutral and polar, at codon 392 of the GMPPA protein (p.Arg392Gln). This variant is present in population databases (rs568610828, gnomAD 0.02%). This variant has not been reported in the literature in individuals affected with GMPPA-related conditions. An algorithm developed to predict the effect of missense changes on protein structure and function (PolyPhen-2) suggests that this variant is likely to be tolerated. In summary, the available evidence is currently insufficient to determine the role of this variant in disease. Therefore, it has been classified as a Variant of Uncertain Significance.

NM_013335.4(GMPPA):c.1175G>A (p.Arg392Gln)

Genes: ASIC4-AS1 (ASIC4 antisense RNA 1; minus strand), GMPPA (GDP-mannose pyrophosphorylase A; plus strand). Cytogenetic location: 2q35.
Variant type: single nucleotide variant.
Coding change: c.1175G>A on transcript NM_013335.4 (MANE Select); coding-DNA position 1175, G replaced by A.
Protein change: p.Arg392Gln; replaces arginine 392 with glutamine.
Molecular consequence: missense variant.
Genome position (GRCh38, 1-based): chr2:219,506,710, G>A. VCF-style: chr2-219506710-G-A. GRCh37 (hg19) VCF-style: chr2-220371432-G-A.
Other names: c.1175G>A, p.Arg392Gln (NM_001374294.1, NM_001374295.1, NM_205847.3); short protein forms R392Q.
Identifiers: ClinVar variation 3730514 (VCV003730514.2).